The following is an entry in ClinVar:

NM_001277115.2(DNAH11):c.13107C>T (p.Thr4369=)

Gene: DNAH11 (dynein axonemal heavy chain 11; plus strand). Cytogenetic location: 7p15.3.
Variant type: single nucleotide variant.
Coding change: c.13107C>T on transcript NM_001277115.2 (MANE Select); coding-DNA position 13107, C replaced by T.
Protein change: p.Thr4369=; no amino-acid change (threonine 4369 retained).
Molecular consequence: synonymous variant.
Genome position (GRCh38, 1-based): chr7:21,899,393, C>T. VCF-style: chr7-21899393-C-T. GRCh37 (hg19) VCF-style: chr7-21939011-C-T.
Identifiers: ClinVar variation 454656 (VCV000454656.12), dbSNP rs777694425, ClinGen allele CA4183296.

ClinVar aggregate classification (germline): Likely benign. Review status: criteria provided, multiple submitters, no conflicts (2 of 4 stars). 3 submissions from 3 submitters: Likely benign (3). Last evaluated 2026-04-01.

Conditions:
Primary ciliary dyskinesia. Also called: Ciliary dyskinesia. Identifiers: Orphanet 244, MedGen C0008780, MONDO:0016575, HP:0012265.

Allele frequency attached by ClinVar (database versions not stated): gnomAD 0.00001; gnomAD exomes 0.00001; ExAC 0.00002; TOPMed 0.00002.
gnomAD v4.1: 22 of 1,613,868 alleles (0.0014%); highest among the groups gnomAD compares: Non-Finnish European, 0.0017%; no homozygotes.

Submissions (3):

CeGaT Center for Human Genetics Tuebingen
Classification: Likely benign. Last evaluated: 2026-04-01. Review status: criteria provided, single submitter. Criteria: CeGaT Center For Human Genetics Tuebingen Variant Classification Criteria Version 2. Collection method: clinical testing. Allele origin: germline. Affected: yes. Observed: 1 variant allele.
Comment: DNAH11: BP4, BP7

Labcorp Genetics (formerly Invitae), Labcorp
Classification: Likely benign for Primary ciliary dyskinesia. Last evaluated: 2025-10-21. Review status: criteria provided, single submitter. Criteria: Invitae Variant Classification Sherloc (09022015). Collection method: clinical testing. Allele origin: germline.

Blueprint Genetics
Classification: Likely benign. Last evaluated: 2022-11-15. Review status: criteria provided, single submitter. Criteria: ACMG Guidelines, 2015. Collection method: clinical testing. Allele origin: germline.